The following is an entry in ClinVar:

ClinVar aggregate classification (germline): Conflicting classifications of pathogenicity. Review status: criteria provided, conflicting classifications (1 of 4 stars). 4 submissions from 4 submitters: Uncertain significance (2); Likely benign (2). Last evaluated 2026-05-01.

Conditions:
Developmental and epileptic encephalopathy, 54. Also called: HNRNPU-Related Neurodevelopmental Disorder; Epileptic encephalopathy, early infantile, 54. Identifiers: MedGen C4479319, MONDO:0033363, OMIM 617391.
Inborn genetic diseases. Identifiers: MedGen C0950123, MeSH D030342.

Allele frequency attached by ClinVar (database versions not stated): gnomAD exomes below 0.00001; gnomAD 0.00001 and 0.00002.

Submissions (4):

CeGaT Center for Human Genetics Tuebingen
Classification: Likely benign. Last evaluated: 2026-05-01. Review status: criteria provided, single submitter. Criteria: CeGaT Center For Human Genetics Tuebingen Variant Classification Criteria Version 2. Collection method: clinical testing. Allele origin: germline. Affected: yes. Observed: 1 variant allele.
Comment: HNRNPU: BS2

Ambry Genetics
Classification: Uncertain significance for Inborn genetic diseases. Last evaluated: 2026-03-17. Review status: criteria provided, single submitter. Criteria: Ambry Variant Classification Scheme 2023. Collection method: clinical testing. Allele origin: germline.
Comment: The c.715G>A (p.G239S) alteration is located in exon 2 (coding exon 2) of the HNRNPU gene. This alteration results from a G to A substitution at nucleotide position 715, causing the glycine (G) at amino acid position 239 to be replaced by a serine (S). Based on data from gnomAD, the A allele has an overall frequency of <0.001% (1/251478) total alleles studied. The highest observed frequency was 0.005% (1/18394) of East Asian alleles. Based on insufficient or conflicting evidence, the clinical significance of this alteration remains unclear.

Labcorp Genetics (formerly Invitae), Labcorp
Classification: Likely benign for Developmental and epileptic encephalopathy, 54. Last evaluated: 2025-12-13. Review status: criteria provided, single submitter. Criteria: Invitae Variant Classification Sherloc (09022015). Collection method: clinical testing. Allele origin: germline.

Revvity Omics, Revvity
Classification: Uncertain significance for Developmental and epileptic encephalopathy, 54. Last evaluated: 2022-05-22. Review status: criteria provided, single submitter. Criteria: ACMG Guidelines, 2015. Collection method: clinical testing. Allele origin: germline.

NM_031844.3(HNRNPU):c.715G>A (p.Gly239Ser)

Gene: HNRNPU (heterogeneous nuclear ribonucleoprotein U; minus strand). Cytogenetic location: 1q44.
Variant type: single nucleotide variant.
Coding change: c.715G>A on transcript NM_031844.3 (MANE Select); coding-DNA position 715, G replaced by A.
Protein change: p.Gly239Ser; replaces glycine 239 with serine.
Molecular consequence: missense variant.
Genome position (GRCh38, 1-based): chr1:244,862,707, C>T on the plus strand (G>A on the coding strand, the complement: HNRNPU is on the minus strand). VCF-style: chr1-244862707-C-T. GRCh37 (hg19) VCF-style: chr1-245026009-C-T.
Other names: c.715G>A (NM_031844.2); c.658G>A, p.Gly220Ser (NM_004501.3); short protein forms G220S, G239S.
Identifiers: ClinVar variation 1611148 (VCV001611148.14), dbSNP rs1014292464, ClinGen allele CA40504236.